The following is an entry in ClinVar:

ClinVar aggregate classification (germline): Benign (1 of 4 stars; one submission).

Conditions:
Occult macular dystrophy (OCMD). Also called: OMD; OCCULT MACULAR DYSTROPHY, SUSCEPTIBILITY TO. Identifiers: Orphanet 247834, MedGen C3150833, MONDO:0013316, OMIM 613587, HP:0030636.

Allele frequency attached by ClinVar (database versions not stated): ESP Exome Variant Server 0.00345; 1000 Genomes Project 0.03175; gnomAD exomes below 0.00001; gnomAD 0.00002.

Submission:

Illumina Laboratory Services, Illumina
Classification: Benign for Occult macular dystrophy. Last evaluated: 2018-01-12. Review status: criteria provided, single submitter. Criteria: ICSL Variant Classification Criteria 13 December 2019. Collection method: clinical testing. Allele origin: germline.
Comment: This variant was observed in the ICSL laboratory as part of a predisposition screen in an ostensibly healthy population. It had not been previously curated by ICSL or reported in the Human Gene Mutation Database (HGMD: prior to June 1st, 2018), and was therefore a candidate for classification through an automated scoring system. Utilizing variant allele frequency, disease prevalence and penetrance estimates, and inheritance mode, an automated score was calculated to assess if this variant is too frequent to cause the disease. Based on the score and internal cut-off values, a variant classified as benign is not then subjected to further curation. The score for this variant resulted in a classification of benign for this disease.

NM_178857.6(RP1L1):c.5643A>G (p.Gly1881=)

Gene: RP1L1 (RP1 like 1). Cytogenetic location: 8p23.1.
Variant type: single nucleotide variant.
Coding change: c.5643A>G on transcript NM_178857.6 (MANE Select); coding-DNA position 5643, A replaced by G.
Protein change: p.Gly1881=; no amino-acid change (glycine 1881 retained).
Molecular consequence: synonymous variant.
Genome position (GRCh38, 1-based): chr8:10,608,455, T>C on the plus strand (A>G on the coding strand, the complement: RP1L1 is on the minus strand). VCF-style: chr8-10608455-T-C. GRCh37 (hg19) VCF-style: chr8-10465965-T-C.
Identifiers: ClinVar variation 361244 (VCV000361244.5), dbSNP rs112534810, ClinGen allele CA4623579.
Genomic context (GRCh38, chr8:10,608,455, plus strand): 5'-TGGCTGGACCTCCCATTCTGCCTCTGGGGTCTCTACATCTTCTGACTCTGGCTGGGCCTC[T>C]CCTTCTGCCTCTGGGGCCTCTACATCTTCTGACTCTGGCTGGGCCTCCCCTTCAGCCTCC-3'
Protein context (NP_849188.4, residues 1871-1891): SEDVEAPEAE[Gly1881=]EAQPESEDVE